The following is an entry in ClinVar:

ClinVar aggregate classification (germline): Conflicting classifications of pathogenicity. Review status: criteria provided, conflicting classifications (1 of 4 stars). 5 submissions from 5 submitters: Uncertain significance (4); Benign (1). Last evaluated 2026-01-06.

Conditions:
Hereditary cancer-predisposing syndrome. Also called: Tumor predisposition; Neoplastic Syndromes, Hereditary; Hereditary neoplastic syndrome; Hereditary Cancer Syndrome. Identifiers: Orphanet 140162, MedGen C0027672, MeSH D009386, MONDO:0015356.
Familial adenomatous polyposis 2. Also called: MYH-associated polyposis; FAP type 2; COLORECTAL ADENOMATOUS POLYPOSIS, AUTOSOMAL RECESSIVE; ADENOMAS, MULTIPLE COLORECTAL, AUTOSOMAL RECESSIVE; MUTYH-related attenuated familial adenomatous polyposis; MUTYH Polyposis. Identifiers: Orphanet 220460, Orphanet 247798, MedGen C3272841, MONDO:0012041, OMIM 608456.

Allele frequency attached by ClinVar (database versions not stated): gnomAD exomes below 0.00001; TOPMed below 0.00001; gnomAD 0.00001.

Submissions (5):

Labcorp Genetics (formerly Invitae), Labcorp
Classification: Uncertain significance for Familial adenomatous polyposis 2. Last evaluated: 2026-01-06. Review status: criteria provided, single submitter. Criteria: Invitae Variant Classification Sherloc (09022015). Collection method: clinical testing. Allele origin: germline.
Comment: This sequence change replaces arginine, which is basic and polar, with glycine, which is neutral and non-polar, at codon 115 of the MUTYH protein (p.Arg115Gly). This variant is not present in population databases (gnomAD no frequency). This variant has not been reported in the literature in individuals affected with MUTYH-related conditions. ClinVar contains an entry for this variant (Variation ID: 581172). An algorithm developed to predict the effect of missense changes on protein structure and function (PolyPhen-2) suggests that this variant is likely to be disruptive. In summary, the available evidence is currently insufficient to determine the role of this variant in disease. Therefore, it has been classified as a Variant of Uncertain Significance.

Ambry Genetics
Classification: Benign for Hereditary cancer-predisposing syndrome. Last evaluated: 2025-09-09. Review status: criteria provided, single submitter. Criteria: Ambry Variant Classification Scheme 2023. Collection method: clinical testing. Allele origin: germline.

Color Diagnostics, LLC DBA Color Health
Classification: Uncertain significance for Hereditary cancer-predisposing syndrome. Last evaluated: 2024-03-06. Review status: criteria provided, single submitter. Criteria: ACMG Guidelines, 2015. Collection method: clinical testing. Allele origin: germline.
Comment: This missense variant replaces arginine with glycine at codon 115 of the MUTYH protein. Computational prediction suggests that this variant may not impact protein structure and function (internally defined REVEL score threshold <= 0.5, PMID: 27666373). To our knowledge, functional studies have not been reported for this variant. This variant has not been reported in individuals affected with hereditary cancer in the literature. This variant has not been identified in the general population by the Genome Aggregation Database (gnomAD). The available evidence is insufficient to determine the role of this variant in disease conclusively. Therefore, this variant is classified as a Variant of Uncertain Significance.

All of Us Research Program, National Institutes of Health
Classification: Uncertain significance for Familial adenomatous polyposis 2. Last evaluated: 2023-12-07. Review status: criteria provided, single submitter. Criteria: ACMG Guidelines, 2015. Collection method: clinical testing. Allele origin: germline. Inheritance: Autosomal recessive inheritance. Observed: 2 variant alleles, 2 heterozygotes.
Comment: This missense variant replaces arginine with glycine at codon 115 of the MUTYH protein. Computational prediction suggests that this variant may not impact protein structure and function (internally defined REVEL score threshold <= 0.5, PMID: 27666373). To our knowledge, functional studies have not been reported for this variant. This variant has not been reported in individuals affected with hereditary cancer in the literature. This variant has not been identified in the general population by the Genome Aggregation Database (gnomAD). The available evidence is insufficient to determine the role of this variant in disease conclusively. Therefore, this variant is classified as a Variant of Uncertain Significance.

This study involves interpretation of variants in research participants for the purpose of population health screening. Participant phenotype was not available at the time of variant classification. Additional details can be found in publication PMID: 35346344, PMCID: PMC8962531

Mendelics
Classification: Uncertain significance. Last evaluated: 2022-05-04. Review status: criteria provided, single submitter. Criteria: Mendelics Assertion Criteria 2019. Collection method: clinical testing. Allele origin: germline.

NM_001048174.2(MUTYH):c.259A>G (p.Arg87Gly)

Gene: MUTYH (mutY DNA glycosylase; minus strand). Cytogenetic location: 1p34.1.
Variant type: single nucleotide variant.
Coding change: c.259A>G on transcript NM_001048174.2 (MANE Select); coding-DNA position 259, A replaced by G.
Protein change: p.Arg87Gly; replaces arginine 87 with glycine.
Molecular consequence: missense variant. On other transcripts: 5 prime UTR variant (4), non-coding transcript variant (2).
Genome position (GRCh38, 1-based): chr1:45,333,418, T>C on the plus strand (A>G on the coding strand, the complement: MUTYH is on the minus strand). VCF-style: chr1-45333418-T-C. GRCh37 (hg19) VCF-style: chr1-45799090-T-C.
Other names: c.259A>G, p.Arg87Gly (NM_001048171.2, NM_001048173.2, NM_001293195.2); c.262A>G, p.Arg88Gly (NM_001048172.2); c.343A>G, p.Arg115Gly (NM_001128425.2); c.304A>G, p.Arg102Gly (NM_001293190.2); c.292A>G, p.Arg98Gly (NM_001293191.2); c.-18A>G (NM_001293192.2, NM_001293196.2); c.-13A>G (NM_001350650.2, NM_001350651.2); c.334A>G, p.Arg112Gly (NM_012222.3); short protein forms R115G, R87G, R102G, R112G, R88G, R98G.
Identifiers: ClinVar variation 581172 (VCV000581172.21), dbSNP rs950856923, ClinGen allele CA21839637.